The following is an entry in ClinVar:

NM_018026.4(PACS1):c.2453A>T (p.Asp818Val)

Gene: PACS1 (phosphofurin acidic cluster sorting protein 1; plus strand). Cytogenetic location: 11q13.2.
Variant type: single nucleotide variant.
Coding change: c.2453A>T on transcript NM_018026.4 (MANE Select); coding-DNA position 2453, A replaced by T.
Protein change: p.Asp818Val; replaces aspartic acid 818 with valine.
Molecular consequence: missense variant.
Genome position (GRCh38, 1-based): chr11:66,241,450, A>T. VCF-style: chr11-66241450-A-T. GRCh37 (hg19) VCF-style: chr11-66008921-A-T.
Other names: short protein forms D818V.
Identifiers: ClinVar variation 3647131 (VCV003647131.2).

ClinVar aggregate classification (germline): Uncertain significance (1 of 4 stars; one submission).

Conditions:
Schuurs-Hoeijmakers syndrome. Also called: PACS1-Related Neurodevelopmental Disorder. Identifiers: Orphanet 329224, MedGen C3554343, MONDO:0014006, OMIM 615009.

Submission:

Labcorp Genetics (formerly Invitae), Labcorp
Classification: Uncertain significance for Schuurs-Hoeijmakers syndrome. Last evaluated: 2024-03-21. Review status: criteria provided, single submitter. Criteria: Invitae Variant Classification Sherloc (09022015). Collection method: clinical testing. Allele origin: germline.
Comment: This sequence change replaces aspartic acid, which is acidic and polar, with valine, which is neutral and non-polar, at codon 818 of the PACS1 protein (p.Asp818Val). This variant is not present in population databases (gnomAD no frequency). This variant has not been reported in the literature in individuals affected with PACS1-related conditions. Advanced modeling of protein sequence and biophysical properties (such as structural, functional, and spatial information, amino acid conservation, physicochemical variation, residue mobility, and thermodynamic stability) has been performed at Invitae for this missense variant, however the output from this modeling did not meet the statistical confidence thresholds required to predict the impact of this variant on PACS1 protein function. In summary, the available evidence is currently insufficient to determine the role of this variant in disease. Therefore, it has been classified as a Variant of Uncertain Significance.